The following is an entry in ClinVar:

NM_014889.4(PITRM1):c.9C>G (p.Arg3=)

Genes: PITRM1 (pitrilysin metallopeptidase 1; minus strand), LOC130003177 (ATAC-STARR-seq lymphoblastoid silent region 2073; plus strand). Cytogenetic location: 10p15.2.
Variant type: single nucleotide variant.
Coding change: c.9C>G on transcript NM_014889.4 (MANE Select); coding-DNA position 9, C replaced by G.
Protein change: p.Arg3=; no amino-acid change (arginine 3 retained).
Molecular consequence: synonymous variant. On other transcripts: missense variant (1), 5 prime UTR variant (3), non-coding transcript variant (4).
Genome position (GRCh38, 1-based): chr10:3,172,764, G>C on the plus strand (C>G on the coding strand, the complement: PITRM1 is on the minus strand). VCF-style: chr10-3172764-G-C. GRCh37 (hg19) VCF-style: chr10-3214956-G-C.
Other names: c.9C>G, p.Arg3= (NM_001242307.2, NM_001347725.2); c.16C>G, p.Leu6Val (NM_001242309.1); c.-563C>G (NM_001347726.2, NM_001347727.2); c.-1292C>G (NM_001347728.2); short protein forms L6V.
Identifiers: ClinVar variation 1393825 (VCV001393825.6), dbSNP rs1416380873, ClinGen allele CA375877899.

ClinVar aggregate classification (germline): Uncertain significance (1 of 4 stars; one submission).

gnomAD v4.1: 1 of 1,546,464 alleles (0.000065%); highest among the groups gnomAD compares: Admixed American, 0.002%; no homozygotes.

Submission:

Labcorp Genetics (formerly Invitae), Labcorp
Classification: Uncertain significance. Last evaluated: 2021-12-22. Review status: criteria provided, single submitter. Criteria: Invitae Variant Classification Sherloc (09022015). Collection method: clinical testing. Allele origin: germline.
Comment: In summary, the available evidence is currently insufficient to determine the role of this variant in disease. Therefore, it has been classified as a Variant of Uncertain Significance. Algorithms developed to predict the effect of sequence changes on RNA splicing suggest that this variant may create or strengthen a splice site. Algorithms developed to predict the effect of missense changes on protein structure and function are either unavailable or do not agree on the potential impact of this missense change (SIFT: "Tolerated"; PolyPhen-2: "Possibly Damaging"; Align-GVGD: "Class C0"). This variant has not been reported in the literature in individuals affected with PITRM1-related conditions. This variant is not present in population databases (gnomAD no frequency). This sequence change replaces leucine, which is neutral and non-polar, with valine, which is neutral and non-polar, at codon 6 of the PITRM1 protein (p.Leu6Val).